The following is an entry in ClinVar:

NM_001184.4(ATR):c.4819A>G (p.Ser1607Gly)

Gene: ATR (ATR checkpoint kinase; minus strand). Cytogenetic location: 3q23.
Variant type: single nucleotide variant.
Coding change: c.4819A>G on transcript NM_001184.4 (MANE Select); coding-DNA position 4819, A replaced by G.
Protein change: p.Ser1607Gly; replaces serine 1607 with glycine.
Molecular consequence: missense variant.
Genome position (GRCh38, 1-based): chr3:142,512,293, T>C on the plus strand (A>G on the coding strand, the complement: ATR is on the minus strand). VCF-style: chr3-142512293-T-C. GRCh37 (hg19) VCF-style: chr3-142231135-T-C.
Other names: c.4627A>G, p.Ser1543Gly (NM_001354579.2); short protein forms S1543G, S1607G.
Identifiers: ClinVar variation 2809505 (VCV002809505.3), dbSNP rs781465061, ClinGen allele CA2649762.

ClinVar aggregate classification (germline): Uncertain significance (1 of 4 stars; one submission).

Allele frequency attached by ClinVar (database versions not stated): ExAC 0.00001.
gnomAD v4.1: 1 of 1,613,274 alleles (0.000062%); highest among the groups gnomAD compares: South Asian, 0.0011%; no homozygotes.

Submission:

Labcorp Genetics (formerly Invitae), Labcorp
Classification: Uncertain significance. Last evaluated: 2023-10-18. Review status: criteria provided, single submitter. Criteria: Invitae Variant Classification Sherloc (09022015). Collection method: clinical testing. Allele origin: germline.
Comment: This sequence change replaces serine, which is neutral and polar, with glycine, which is neutral and non-polar, at codon 1607 of the ATR protein (p.Ser1607Gly). This variant is present in population databases (rs781465061, gnomAD 0.003%). This variant has not been reported in the literature in individuals affected with ATR-related conditions. Algorithms developed to predict the effect of missense changes on protein structure and function output the following: SIFT: "Not Available"; PolyPhen-2: "Benign"; Align-GVGD: "Not Available". The glycine amino acid residue is found in multiple mammalian species, which suggests that this missense change does not adversely affect protein function. In summary, the available evidence is currently insufficient to determine the role of this variant in disease. Therefore, it has been classified as a Variant of Uncertain Significance.